The following is an entry in ClinVar:

ClinVar aggregate classification (germline): Uncertain significance (1 of 4 stars; one submission).

gnomAD v4.1: 1 of 1,609,452 alleles (0.000062%); highest among the groups gnomAD compares: Non-Finnish European, 0.000085%; no homozygotes.

Submission:

Labcorp Genetics (formerly Invitae), Labcorp
Classification: Uncertain significance. Last evaluated: 2024-05-07. Review status: criteria provided, single submitter. Criteria: Invitae Variant Classification Sherloc (09022015). Collection method: clinical testing. Allele origin: germline.
Comment: This sequence change replaces histidine, which is basic and polar, with tyrosine, which is neutral and polar, at codon 540 of the LZTR1 protein (p.His540Tyr). This variant is not present in population databases (gnomAD no frequency). This variant has not been reported in the literature in individuals affected with LZTR1-related conditions. An algorithm developed to predict the effect of missense changes on protein structure and function (PolyPhen-2) suggests that this variant is likely to be tolerated. In summary, the available evidence is currently insufficient to determine the role of this variant in disease. Therefore, it has been classified as a Variant of Uncertain Significance.

NM_006767.4(LZTR1):c.1618C>T (p.His540Tyr)

Gene: LZTR1 (leucine zipper like post translational regulator 1; plus strand). Cytogenetic location: 22q11.21.
Variant type: single nucleotide variant.
Coding change: c.1618C>T on transcript NM_006767.4 (MANE Select); coding-DNA position 1618, C replaced by T.
Protein change: p.His540Tyr; replaces histidine 540 with tyrosine.
Molecular consequence: missense variant.
Genome position (GRCh38, 1-based): chr22:20,994,560, C>T. VCF-style: chr22-20994560-C-T. GRCh37 (hg19) VCF-style: chr22-21348849-C-T.
Other names: short protein forms H540Y.
Identifiers: ClinVar variation 3714879 (VCV003714879.2).